The following is an entry in ClinVar:

NM_006231.4(POLE):c.254A>G (p.Tyr85Cys)

Gene: POLE (DNA polymerase epsilon, catalytic subunit; minus strand). Cytogenetic location: 12q24.33.
Variant type: single nucleotide variant.
Coding change: c.254A>G on transcript NM_006231.4 (MANE Select); coding-DNA position 254, A replaced by G.
Protein change: p.Tyr85Cys; replaces tyrosine 85 with cysteine.
Molecular consequence: missense variant.
Genome position (GRCh38, 1-based): chr12:132,680,638, T>C on the plus strand (A>G on the coding strand, the complement: POLE is on the minus strand). VCF-style: chr12-132680638-T-C. GRCh37 (hg19) VCF-style: chr12-133257224-T-C.
Other names: c.254A>G (NM_006231.2); short protein forms Y85C.
Identifiers: ClinVar variation 577454 (VCV000577454.19), dbSNP rs1565981016, ClinGen allele CA387369124.

ClinVar aggregate classification (germline): Uncertain significance. Review status: criteria provided, multiple submitters, no conflicts (2 of 4 stars). 3 submissions from 3 submitters: Uncertain significance (3). Last evaluated 2026-04-02.

Conditions:
Hereditary cancer-predisposing syndrome. Also called: Tumor predisposition; Hereditary Cancer Syndrome; Neoplastic Syndromes, Hereditary; Hereditary neoplastic syndrome. Identifiers: Orphanet 140162, MedGen C0027672, MeSH D009386, MONDO:0015356.

Allele frequency attached by ClinVar (database versions not stated): gnomAD exomes below 0.00001.
gnomAD v4.1: 1 of 1,614,098 alleles (0.000062%); highest among the groups gnomAD compares: Non-Finnish European, 0.000085%; no homozygotes.

Submissions (3):

Ambry Genetics
Classification: Uncertain significance for Hereditary cancer-predisposing syndrome. Last evaluated: 2026-04-02. Review status: criteria provided, single submitter. Criteria: Ambry Variant Classification Scheme 2023. Collection method: clinical testing. Allele origin: germline.
Comment: The p.Y85C variant (also known as c.254A>G), located in coding exon 3 of the POLE gene, results from an A to G substitution at nucleotide position 254. The tyrosine at codon 85 is replaced by cysteine, an amino acid with highly dissimilar properties. This amino acid position is conserved. In addition, this alteration is predicted to be deleterious by in silico analysis. Based on the available evidence, the clinical significance of this variant remains unclear.

Center for Genomic Medicine, Rigshospitalet, Copenhagen University Hospital
Classification: Uncertain significance. Last evaluated: 2025-12-29. Review status: criteria provided, single submitter. Criteria: ACMG Guidelines, 2015. Collection method: clinical testing. Allele origin: germline.

Labcorp Genetics (formerly Invitae), Labcorp
Classification: Uncertain significance. Last evaluated: 2024-09-16. Review status: criteria provided, single submitter. Criteria: Invitae Variant Classification Sherloc (09022015). Collection method: clinical testing. Allele origin: germline.
Comment: This sequence change replaces tyrosine, which is neutral and polar, with cysteine, which is neutral and slightly polar, at codon 85 of the POLE protein (p.Tyr85Cys). This variant is not present in population databases (gnomAD no frequency). This variant has not been reported in the literature in individuals affected with POLE-related conditions. ClinVar contains an entry for this variant (Variation ID: 577454). Invitae Evidence Modeling of protein sequence and biophysical properties (such as structural, functional, and spatial information, amino acid conservation, physicochemical variation, residue mobility, and thermodynamic stability) indicates that this missense variant is expected to disrupt POLE protein function with a positive predictive value of 80%. In summary, the available evidence is currently insufficient to determine the role of this variant in disease. Therefore, it has been classified as a Variant of Uncertain Significance.